The following is an entry in ClinVar:

ClinVar aggregate classification (germline): Benign (1 of 4 stars; one submission).

Conditions:
Intellectual developmental disorder, X-linked 30. Also called: Intellectual disability, X-linked 30; MENTAL RETARDATION, X-LINKED 47. Identifiers: Orphanet 777, MedGen C0796237, MONDO:0010361, OMIM 300558.

Allele frequency attached by ClinVar (database versions not stated): 1000 Genomes Project 0.00053; TOPMed 0.00163; 1000 Genomes Project 30x 0.00146.

Submission:

Illumina Laboratory Services, Illumina
Classification: Benign for Intellectual developmental disorder, X-linked 30. Last evaluated: 2018-01-12. Review status: criteria provided, single submitter. Criteria: ICSL Variant Classification Criteria 13 December 2019. Collection method: clinical testing. Allele origin: germline.
Comment: This variant was observed in the ICSL laboratory as part of a predisposition screen in an ostensibly healthy population. It had not been previously curated by ICSL or reported in the Human Gene Mutation Database (HGMD: prior to June 1st, 2018), and was therefore a candidate for classification through an automated scoring system. Utilizing variant allele frequency, disease prevalence and penetrance estimates, and inheritance mode, an automated score was calculated to assess if this variant is too frequent to cause the disease. Based on the score and internal cut-off values, a variant classified as benign is not then subjected to further curation. The score for this variant resulted in a classification of benign for this disease.

NM_002578.5(PAK3):c.-492G>A

Genes: PAK3 (p21 (RAC1) activated kinase 3; plus strand), LOC130068561 (ATAC-STARR-seq lymphoblastoid silent region 20943; plus strand). Cytogenetic location: Xq23.
Variant type: single nucleotide variant.
Coding change: c.-492G>A on transcript NM_002578.5 (MANE Select); 492 bases upstream of the start codon, G replaced by A.
Molecular consequence: 5 prime UTR variant. On other transcripts: non-coding transcript variant (8), intron variant (4).
Genome position (GRCh38, 1-based): chrX:111,096,276, G>A. VCF-style: chrX-111096276-G-A. GRCh37 (hg19) VCF-style: chrX-110339504-G-A.
Other names: c.-495G>A (NM_001128168.3, NM_001128173.3, NM_001324332.2); c.-277G>A (NM_001324326.2, NM_001324328.2); c.-344G>A (NM_001324327.2, NM_001324331.2); c.-492G>A (NM_001324329.2); c.-425G>A (NM_001324333.2, NM_001324334.2); c.-27-26801G>A (NM_001128166.3, NM_001128167.3); c.-178-6880G>A (NM_001324325.2); c.-175-6883G>A (NM_001324330.2).
Identifiers: ClinVar variation 914021 (VCV000914021.4), dbSNP rs751584564, ClinGen allele CA334396876.